The following is an entry in ClinVar:

NM_145178.4(ATOH7):c.28C>G (p.Pro10Ala)

Genes: ATOH7 (atonal bHLH transcription factor 7; minus strand), LOC130003943 (ATAC-STARR-seq lymphoblastoid silent region 2418; plus strand). Cytogenetic location: 10q21.3.
Variant type: single nucleotide variant.
Coding change: c.28C>G on transcript NM_145178.4 (MANE Select); coding-DNA position 28, C replaced by G.
Protein change: p.Pro10Ala; replaces proline 10 with alanine.
Molecular consequence: missense variant.
Genome position (GRCh38, 1-based): chr10:68,231,650, G>C on the plus strand (C>G on the coding strand, the complement: ATOH7 is on the minus strand). VCF-style: chr10-68231650-G-C. GRCh37 (hg19) VCF-style: chr10-69991407-G-C.
Other names: short protein forms P10A.
Identifiers: ClinVar variation 1715539 (VCV001715539.3), dbSNP rs2134380856, ClinGen allele CA376837924.

ClinVar aggregate classification (germline): Uncertain significance (1 of 4 stars; one submission).

Submission:

Labcorp Genetics (formerly Invitae), Labcorp
Classification: Uncertain significance. Last evaluated: 2022-09-06. Review status: criteria provided, single submitter. Criteria: Invitae Variant Classification Sherloc (09022015). Collection method: clinical testing. Allele origin: germline.
Comment: This sequence change replaces proline, which is neutral and non-polar, with alanine, which is neutral and non-polar, at codon 10 of the ATOH7 protein (p.Pro10Ala). This variant is not present in population databases (gnomAD no frequency). This variant has not been reported in the literature in individuals affected with ATOH7-related conditions. Algorithms developed to predict the effect of missense changes on protein structure and function (SIFT, PolyPhen-2, Align-GVGD) all suggest that this variant is likely to be tolerated. In summary, the available evidence is currently insufficient to determine the role of this variant in disease. Therefore, it has been classified as a Variant of Uncertain Significance.